The following is an entry in ClinVar:

NM_033380.3(COL4A5):c.1411C>T (p.Gln471Ter)

Gene: COL4A5 (collagen type IV alpha 5 chain; plus strand). Cytogenetic location: Xq22.3.
Variant type: single nucleotide variant.
Coding change: c.1411C>T on transcript NM_033380.3 (MANE Select); coding-DNA position 1411, C replaced by T.
Protein change: p.Gln471Ter; replaces glutamine 471 with a stop codon.
Molecular consequence: nonsense.
Genome position (GRCh38, 1-based): chrX:108,591,632, C>T. VCF-style: chrX-108591632-C-T. GRCh37 (hg19) VCF-style: chrX-107834862-C-T.
Other names: c.1411C>T, p.Gln471Ter (NM_000495.5); short protein forms Q471*.
Identifiers: ClinVar variation 1453501 (VCV001453501.8), dbSNP rs2147798207, ClinGen allele CA413934905.

ClinVar aggregate classification (germline): Pathogenic (1 of 4 stars; one submission).

Submission:

Labcorp Genetics (formerly Invitae), Labcorp
Classification: Pathogenic. Last evaluated: 2025-06-12. Review status: criteria provided, single submitter. Criteria: Invitae Variant Classification Sherloc (09022015). Collection method: clinical testing. Allele origin: germline.
Comment: This sequence change creates a premature translational stop signal (p.Gln471*) in the COL4A5 gene. It is expected to result in an absent or disrupted protein product. Loss-of-function variants in COL4A5 are known to be pathogenic (PMID: 9195222, 10752524, 14514738, 24854265, 26809805). This variant is not present in population databases (gnomAD no frequency). This premature translational stop signal has been observed in individual(s) with clinical features of Alport syndrome (PMID: 29270492, 30582011). ClinVar contains an entry for this variant (Variation ID: 1453501). For these reasons, this variant has been classified as Pathogenic.

Literature cited by the submitters: PubMed 9195222; PubMed 10752524; PubMed 14514738; PubMed 24854265; PubMed 26809805; PubMed 29270492; PubMed 30582011.